The following is an entry in ClinVar:

ClinVar aggregate classification (germline): Pathogenic (0 of 4 stars; one submission).

Conditions:
Renal-hepatic-pancreatic dysplasia 1 (RHPD1). Identifiers: MedGen C3715199, MONDO:0008833, OMIM 208540.

Submission:

Molecular Genetics, Sichuan Provincial Maternity and Child Health Care Hospital
Classification: Pathogenic for Renal-hepatic-pancreatic dysplasia 1. Last evaluated: 2021-12-16. Review status: no assertion criteria provided. Collection method: clinical testing. Allele origin: paternal. Inheritance: Autosomal recessive inheritance. Affected: yes. Observed: 1 compound heterozygote.
Comment: According to the American College of Medical Genetics and Genomics (ACMG) / Association for Molecular Pathology guideline (Genet Med. 2015), NPHP3 NM_153240.5: c.69delC:p.Gly24Ala24*11 was classified as “Pathogenic” with PVS1 (loss-of-function is the known mechanism of RHPD1 disorder) + PM2 (Absent from controls in genome Aggregation Database, 1000 Genomes Project, or Exome Aggregation Consortium) + PM3 (For recessive disorders, detected in trans with a pathogenic variant: NM_153240.5: c.1761G>A: p.W587*).

NM_153240.5(NPHP3):c.69del (p.Gly24fs)

Genes: NPHP3 (nephrocystin 3; minus strand), NPHP3-ACAD11 (NPHP3-ACAD11 readthrough (NMD candidate); minus strand), NPHP3-AS1 (NPHP3 antisense RNA 1; plus strand), LOC129937586 (ATAC-STARR-seq lymphoblastoid silent region 14743; plus strand). Cytogenetic location: 3q22.1.
Variant type: Deletion.
Coding change: c.69del on transcript NM_153240.5 (MANE Select); coding-DNA position 69, one base deleted (C; older notation c.69delC).
Protein change: p.Gly24fs; shifts the reading frame from glycine 24.
Molecular consequence: frameshift variant. On other transcripts: non-coding transcript variant (3).
Genome position (GRCh38, 1-based): chr3:132,722,287, G deleted on the plus strand (C on the coding strand, the reverse complement: NPHP3 is on the minus strand). VCF-style (leftmost placement, unchanged base first): chr3-132722286-CG-C. GRCh37 (hg19) VCF-style: chr3-132441130-CG-C.
Other names: c.69delC (NM_153240.5); short protein forms G24fs.
Identifiers: ClinVar variation 1706521 (VCV001706521.2), dbSNP rs2530522907, ClinGen allele CA2580068788.